The following is an entry in ClinVar:

NM_005529.7(HSPG2):c.9540G>A (p.Ala3180=)

Gene: HSPG2 (heparan sulfate proteoglycan 2; minus strand). Cytogenetic location: 1p36.12.
Variant type: single nucleotide variant.
Coding change: c.9540G>A on transcript NM_005529.7 (MANE Select); coding-DNA position 9540, G replaced by A.
Protein change: p.Ala3180=; no amino-acid change (alanine 3180 retained).
Molecular consequence: synonymous variant.
Genome position (GRCh38, 1-based): chr1:21,839,991, C>T on the plus strand (G>A on the coding strand, the complement: HSPG2 is on the minus strand). VCF-style: chr1-21839991-C-T. GRCh37 (hg19) VCF-style: chr1-22166484-C-T.
Other names: c.9543G>A, p.Ala3181= (NM_001291860.2).
Identifiers: ClinVar variation 295757 (VCV000295757.35), dbSNP rs62642506, ClinGen allele CA670404.

ClinVar aggregate classification (germline): Benign/Likely benign. Review status: criteria provided, multiple submitters, no conflicts (2 of 4 stars). 9 submissions from 8 submitters: Benign (7); Likely benign (2). Last evaluated 2026-01-27.

Conditions:
Schwartz-Jampel syndrome. Also called: Myotonic myopathy dwarfism chondrodystrophy and ocular and facial abnormalities. Identifiers: Orphanet 800, MedGen C0036391, MONDO:0009717.
Connective tissue disorder. Also called: Connective tissue disease. Identifiers: MedGen C0009782, MONDO:0003900.
Lethal Kniest-like syndrome (DDSH). Also called: Dyssegmental Dysplasia. Identifiers: Orphanet 1865, MedGen C1857100, MONDO:0009140, OMIM 224410.

Allele frequency attached by ClinVar (database versions not stated): gnomAD exomes 0.00099 and 0.00238; ExAC 0.00284; gnomAD 0.00892 and 0.00953; 1000 Genomes Project 0.00998; TOPMed 0.01066; ESP Exome Variant Server 0.01069; 1000 Genomes Project 30x 0.01124.
gnomAD v4.1: 2,890 of 1,614,170 alleles (0.18%); highest among the groups gnomAD compares: African/African-American, 3.1%; 34 homozygotes.

Submissions (9):

Labcorp Genetics (formerly Invitae), Labcorp
Classification: Benign. Last evaluated: 2026-01-27. Review status: criteria provided, single submitter. Criteria: Invitae Variant Classification Sherloc (09022015). Collection method: clinical testing. Allele origin: germline.

ARUP Laboratories, Molecular Genetics and Genomics, ARUP Laboratories
Classification: Benign. Last evaluated: 2024-12-27. Review status: criteria provided, single submitter. Criteria: ARUP Molecular Germline Variant Investigation Process 2024. Collection method: clinical testing. Allele origin: germline.

Blueprint Genetics
Classification: Likely benign. Last evaluated: 2024-11-13. Review status: criteria provided, single submitter. Criteria: ACMG Guidelines, 2015. Collection method: clinical testing. Allele origin: germline.

Athena Diagnostics
Classification: Benign. Last evaluated: 2024-06-06. Review status: criteria provided, single submitter. Criteria: Athena Diagnostics Criteria. Collection method: clinical testing. Allele origin: unknown.

GeneDx
Classification: Benign. Last evaluated: 2020-04-03. Review status: criteria provided, single submitter. Criteria: GeneDx Variant Classification Process June 2021. Collection method: clinical testing. Allele origin: germline. Affected: yes.

Genome Diagnostics Laboratory, The Hospital for Sick Children
Classification: Likely benign for Connective tissue disorder. Last evaluated: 2019-07-01. Review status: criteria provided, single submitter. Criteria: ACMG Guidelines, 2015. Collection method: clinical testing. Allele origin: germline.

Illumina Laboratory Services, Illumina
Classification: Benign for Lethal Kniest-like syndrome. Last evaluated: 2018-01-13. Review status: criteria provided, single submitter. Criteria: ICSL Variant Classification Criteria 13 December 2019. Collection method: clinical testing. Allele origin: germline.
Comment: This variant was observed in the ICSL laboratory as part of a predisposition screen in an ostensibly healthy population. It had not been previously curated by ICSL or reported in the Human Gene Mutation Database (HGMD: prior to June 1st, 2018), and was therefore a candidate for classification through an automated scoring system. Utilizing variant allele frequency, disease prevalence and penetrance estimates, and inheritance mode, an automated score was calculated to assess if this variant is too frequent to cause the disease. Based on the score and internal cut-off values, a variant classified as benign is not then subjected to further curation. The score for this variant resulted in a classification of benign for this disease.

Illumina Laboratory Services, Illumina
Classification: Benign for Schwartz-Jampel syndrome type 1. Last evaluated: 2018-01-13. Review status: criteria provided, single submitter. Criteria: ICSL Variant Classification Criteria 13 December 2019. Collection method: clinical testing. Allele origin: germline.
Comment: the same text as in the submission from Illumina Laboratory Services, Illumina above.

Breakthrough Genomics
Classification: Benign. Review status: criteria provided, single submitter. Criteria: ACMG Guidelines, 2015. Collection method: not provided. Allele origin: germline. Inheritance: Autosomal recessive inheritance. Affected: yes.

Literature cited by the submitters: PubMed 32231685 (cited by Athena Diagnostics).